The following is an entry in ClinVar:

NM_002693.3(POLG):c.408C>G (p.Asp136Glu)

Genes: POLG (DNA polymerase gamma, catalytic subunit; minus strand), POLGARF (POLG alternative reading frame; minus strand). Cytogenetic location: 15q26.1.
Variant type: single nucleotide variant.
Coding change: c.408C>G on transcript NM_002693.3 (MANE Select); coding-DNA position 408, C replaced by G.
Protein change: p.Asp136Glu; replaces aspartic acid 136 with glutamic acid.
Molecular consequence: missense variant.
Genome position (GRCh38, 1-based): chr15:89,333,347, G>C on the plus strand (C>G on the coding strand, the complement: POLG is on the minus strand). VCF-style: chr15-89333347-G-C. GRCh37 (hg19) VCF-style: chr15-89876578-G-C.
Other names: p.D136E:GAC>GAG; c.408C>G, p.Asp136Glu (NM_001126131.2); short protein forms D136E.
Identifiers: ClinVar variation 206576 (VCV000206576.34), dbSNP rs115109291, ClinGen allele CA316796.

ClinVar aggregate classification (germline): Conflicting classifications of pathogenicity. Review status: criteria provided, conflicting classifications (1 of 4 stars). 9 submissions from 9 submitters: Uncertain significance (5); Likely benign (3). 1 of the submissions does not count toward it. Last evaluated 2026-01-25.

Conditions:
POLG-related disorder. Also called: POLG-related condition; POLG-Related Disorders; POLG-Related Spectrum Disorders. Identifiers: MedGen C4763519.
Inborn genetic diseases. Identifiers: MedGen C0950123, MeSH D030342.
Progressive sclerosing poliodystrophy (MTDPS4A). Also called: ALPERS DIFFUSE DEGENERATION OF CEREBRAL GRAY MATTER WITH HEPATIC CIRRHOSIS; Alpers-Huttenlocher Syndrome; ALPERS PROGRESSIVE INFANTILE POLIODYSTROPHY; NEURONAL DEGENERATION OF CHILDHOOD WITH LIVER DISEASE, PROGRESSIVE; Mitochondrial DNA Depletion Syndrome 4A; Alpers-Huttenlocher Syndrome (AHS). Identifiers: Orphanet 726, MedGen C0205710, MONDO:0008758, OMIM 203700.

Allele frequency attached by ClinVar (database versions not stated): ESP Exome Variant Server 0.00047; ExAC 0.00052; TOPMed 0.00087; gnomAD exomes 0.00008 and 0.00023; 1000 Genomes Project 30x 0.00109; 1000 Genomes Project 0.00120.
gnomAD v4.1: 234 of 1,568,212 alleles (0.015%); highest among the groups gnomAD compares: African/African-American, 0.29%; no homozygotes.

Submissions (9):

Labcorp Genetics (formerly Invitae), Labcorp
Classification: Likely benign for Progressive sclerosing poliodystrophy. Last evaluated: 2026-01-25. Review status: criteria provided, single submitter. Criteria: Invitae Variant Classification Sherloc (09022015). Collection method: clinical testing. Allele origin: germline.

GeneDx
Classification: Likely benign. Last evaluated: 2024-01-05. Review status: criteria provided, single submitter. Criteria: GeneDx Variant Classification Process June 2021. Collection method: clinical testing. Allele origin: germline. Affected: yes.
Comment: See Variant Classification Assertion Criteria.

Mayo Clinic Laboratories, Mayo Clinic
Classification: Uncertain significance. Last evaluated: 2023-11-07. Review status: criteria provided, single submitter. Criteria: ACMG Guidelines, 2015. Collection method: clinical testing. Allele origin: germline. Observed: 8 variant alleles.
Comment: BP4

Athena Diagnostics
Classification: Uncertain significance. Last evaluated: 2021-05-13. Review status: criteria provided, single submitter. Criteria: Athena Diagnostics criteria. Collection method: clinical testing. Allele origin: unknown.

Ambry Genetics
Classification: Uncertain significance for Inborn genetic diseases. Last evaluated: 2018-12-03. Review status: criteria provided, single submitter. Criteria: Ambry Variant Classification Scheme 2023. Collection method: clinical testing. Allele origin: germline.
Comment: The p.D136E variant (also known as c.408C>G), located in coding exon 1 of the POLG gene, results from a C to G substitution at nucleotide position 408. The aspartic acid at codon 136 is replaced by glutamic acid, an amino acid with highly similar properties. This amino acid position is well conserved in available vertebrate species. In addition, this alteration is predicted to be tolerated by in silico analysis. Since supporting evidence is limited at this time, the clinical significance of this alteration remains unclear.

Wong Mito Lab, Molecular and Human Genetics, Baylor College of Medicine
Classification: Likely benign for Progressive sclerosing poliodystrophy. Last evaluated: 2018-10-01. Review status: criteria provided, single submitter. Criteria: ACMG Guidelines, 2015. Collection method: clinical testing. Allele origin: germline.
Comment: The NM_002693.2:c.408C>G (NP_002684.1:p.Asp136Glu) [GRCH38: NC_000015.10:g.89333347G>C] variant in POLG gene is interpretated to be a Likely Benign based on ACMG guidelines (PMID: 25741868). This variant meets the following evidence codes reported in the ACMG-guideline. BS1:The minor allele frequency of this allele is high for Mitochondrial DNA depletion syndrome 4A (Alpers type). BP4:Computational evidence/predictors indicate no impact on the POLG structure, function, or protein-protein interaction. Based on the evidence criteria codes applied, the variant is suggested to be Likely Benign.

Eurofins Ntd Llc (ga)
Classification: Uncertain significance. Last evaluated: 2018-08-29. Review status: criteria provided, single submitter. Criteria: EGL ClinVar v180209 classification definitions. Collection method: clinical testing. Allele origin: germline. Observed: 10 variant alleles, 10 heterozygotes.

Center for Pediatric Genomic Medicine, Children's Mercy Hospital and Clinics
Classification: Uncertain significance. Last evaluated: 2017-04-17. Review status: criteria provided, single submitter. Criteria: ACMG Guidelines, 2015. Collection method: clinical testing. Allele origin: germline.

PreventionGenetics, part of Exact Sciences
Classification: Likely benign for POLG-related condition. Last evaluated: 2022-06-27. Review status: no assertion criteria provided. Collection method: clinical testing. Allele origin: germline. Not counted in ClinVar's aggregate classification.
Comment: This variant is classified as likely benign based on ACMG/AMP sequence variant interpretation guidelines (Richards et al. 2015 PMID: 25741868, with internal and published modifications).

Literature cited by the submitters: PubMed 19578034 (cited by 4 submitters); PubMed 21880868 (cited by 3 submitters); PubMed 24508722 (cited by Mayo Clinic Laboratories, Mayo Clinic); PubMed 38294884 (cited by Mayo Clinic Laboratories, Mayo Clinic).